The following is an entry in ClinVar:

NM_001329752.2(TIMCC):c.644_647del (p.Asp215fs)

Gene: TIMCC (TIM double twin CX3C motif chaperone; minus strand). Cytogenetic location: 2p13.3.
Variant type: Deletion.
Coding change: c.644_647del on transcript NM_001329752.2 (MANE Select); coding-DNA positions 644 to 647, 4 bases deleted (ACAG; older notation c.644_647delACAG).
Protein change: p.Asp215fs; shifts the reading frame from aspartic acid 215.
Molecular consequence: frameshift variant.
Genome position (GRCh38, 1-based): chr2:70,297,380-70,297,383, CTGT deleted on the plus strand (ACAG on the coding strand, the reverse complement: TIMCC is on the minus strand); deleting any 4 consecutive bases within chr2:70,297,380-70,297,384 gives the same sequence; the c. name uses the placement nearest the transcript's 3' end. VCF-style (leftmost placement, unchanged base first): chr2-70297379-ACTGT-A. GRCh37 (hg19) VCF-style: chr2-70524511-ACTGT-A.
Other names: c.578_581del, p.Asp193fs (NM_001329753.2); c.230_233del, p.Asp77fs (NM_001329755.2, NM_001329757.2, NM_001329758.2); c.323_326del, p.Asp108fs (NM_032822.3); short protein forms D108fs, D193fs, D215fs, D77fs.
Identifiers: ClinVar variation 2651013 (VCV002651013.25), dbSNP rs761817680, ClinGen allele CA1698435.

ClinVar aggregate classification (germline): Likely benign. Review status: criteria provided, multiple submitters, no conflicts (2 of 4 stars). 2 submissions from 2 submitters: Likely benign (2). Last evaluated 2024-11-26.

Submissions (2):

Blueprint Genetics
Classification: Likely benign. Last evaluated: 2024-11-26. Review status: criteria provided, single submitter. Criteria: ACMG Guidelines, 2015. Collection method: clinical testing. Allele origin: germline.

CeGaT Center for Human Genetics Tuebingen
Classification: Likely benign. Last evaluated: 2023-08-01. Review status: criteria provided, single submitter. Criteria: CeGaT Center For Human Genetics Tuebingen Variant Classification Criteria Version 2. Collection method: clinical testing. Allele origin: germline. Affected: yes. Observed: 1 variant allele.
Comment: TIMCC: BS1